The following is an entry in ClinVar:

ClinVar aggregate classification (germline): Pathogenic (1 of 4 stars; one submission).

Conditions:
Dilated cardiomyopathy 1O (CMD1O). Also called: CARDIOMYOPATHY, DILATED, WITH VENTRICULAR TACHYCARDIA. Identifiers: Orphanet 154, MedGen C1837839, MONDO:0012062, OMIM 608569.

Submission:

Labcorp Genetics (formerly Invitae), Labcorp
Classification: Pathogenic for Dilated cardiomyopathy 1O. Last evaluated: 2024-10-01. Review status: criteria provided, single submitter. Criteria: Invitae Variant Classification Sherloc (09022015). Collection method: clinical testing. Allele origin: germline.
Comment: This sequence change creates a premature translational stop signal (p.Thr147Glnfs*4) in the ABCC9 gene. It is expected to result in an absent or disrupted protein product. Loss-of-function variants in ABCC9 are known to be pathogenic (PMID: 31575858, 38217872). This variant is not present in population databases (gnomAD no frequency). This variant has not been reported in the literature in individuals affected with ABCC9-related conditions. ClinVar contains an entry for this variant (Variation ID: 1035485). For these reasons, this variant has been classified as Pathogenic.

Literature cited by the submitters: PubMed 31575858; PubMed 38217872.

NM_020297.4(ABCC9):c.438del (p.Thr147fs)

Gene: ABCC9 (ATP binding cassette subfamily C member 9; minus strand). Cytogenetic location: 12p12.1.
Variant type: Deletion.
Coding change: c.438del on transcript NM_020297.4 (MANE Select); coding-DNA position 438, one base deleted (T; older notation c.438delT).
Protein change: p.Thr147fs; shifts the reading frame from threonine 147.
Molecular consequence: frameshift variant. On other transcripts: intron variant (1).
Genome position (GRCh38, 1-based): chr12:21,917,072, A deleted on the plus strand (T on the coding strand, the reverse complement: ABCC9 is on the minus strand); the first of 2 consecutive A bases (chr12:21,917,072-21,917,073); deleting either gives the same sequence. VCF-style (leftmost placement, unchanged base first): chr12-21917071-TA-T. GRCh37 (hg19) VCF-style: chr12-22070005-TA-T.
Other names: c.438del, p.Thr147fs (NM_001377273.1, NM_005691.4); c.-48-4006del (NM_001377274.1); short protein forms T147fs.
Identifiers: ClinVar variation 1035485 (VCV001035485.7), dbSNP rs1948627474, ClinGen allele CA2021333270.
Genomic context (GRCh38, chr12:21,917,071, plus strand): 5'-AACGCAGGTTTGATATGTCCAAGCCAGACTGACAGTACTTAACCAATTTTATTGTTTTTG[TA>T]ATAAAGGCCATTACCCAATACAGGAACAGGGCTGAAAAGAAAAAGACAAAAAGAGAAAGA-3'